The following is an entry in ClinVar:

NM_001042492.3(NF1):c.3533C>A (p.Thr1178Lys)

Gene: NF1 (neurofibromin 1; plus strand). Cytogenetic location: 17q11.2.
Variant type: single nucleotide variant.
Coding change: c.3533C>A on transcript NM_001042492.3 (MANE Select); coding-DNA position 3533, C replaced by A.
Protein change: p.Thr1178Lys; replaces threonine 1178 with lysine.
Molecular consequence: missense variant.
Genome position (GRCh38, 1-based): chr17:31,233,038, C>A. VCF-style: chr17-31233038-C-A. GRCh37 (hg19) VCF-style: chr17-29560056-C-A.
Other names: c.3533C>A, p.Thr1178Lys (NM_000267.4); short protein forms T1178K.
Identifiers: ClinVar variation 527520 (VCV000527520.5), dbSNP rs1555615025, ClinGen allele CA398989862.

ClinVar aggregate classification (germline): Uncertain significance (1 of 4 stars; one submission).

Conditions:
Neurofibromatosis, type 1 (NF1). Also called: VON RECKLINGHAUSEN DISEASE; NEUROFIBROMATOSIS, TYPE I, SOMATIC; Peripheral type neurofibromatosis; Neurofibromatosis, type I. Identifiers: Orphanet 636, MedGen C0027831, MONDO:0018975, OMIM 162200. Disease mechanism: loss of function.

Submission:

Labcorp Genetics (formerly Invitae), Labcorp
Classification: Uncertain significance for Neurofibromatosis, type 1. Last evaluated: 2021-04-11. Review status: criteria provided, single submitter. Criteria: Invitae Variant Classification Sherloc (09022015). Collection method: clinical testing. Allele origin: germline.
Comment: This variant has not been reported in the literature in individuals with NF1-related conditions. ClinVar contains an entry for this variant (Variation ID: 527520). This variant is not present in population databases (ExAC no frequency). This sequence change replaces threonine with lysine at codon 1178 of the NF1 protein (p.Thr1178Lys). The threonine residue is moderately conserved and there is a moderate physicochemical difference between threonine and lysine. Advanced modeling of protein sequence and biophysical properties (such as structural, functional, and spatial information, amino acid conservation, physicochemical variation, residue mobility, and thermodynamic stability) performed at Invitae indicates that this missense variant is expected to disrupt NF1 protein function. In summary, the available evidence is currently insufficient to determine the role of this variant in disease. Therefore, it has been classified as a Variant of Uncertain Significance.